The following is an entry in ClinVar:

ClinVar aggregate classification (germline): Likely benign (0 of 4 stars; one submission).

Conditions:
ATP2C2-related disorder. Also called: ATP2C2-related condition.

Allele frequency attached by ClinVar (database versions not stated): gnomAD exomes 0.00016; ExAC 0.00051; 1000 Genomes Project 30x 0.00125; 1000 Genomes Project 0.00140; gnomAD 0.00165; TOPMed 0.00190.
gnomAD v4.1: 492 of 1,547,574 alleles (0.032%); highest among the groups gnomAD compares: African/African-American, 0.59%; 3 homozygotes.

Submission:

PreventionGenetics, part of Exact Sciences
Classification: Likely benign for ATP2C2-related condition. Last evaluated: 2019-11-07. Review status: no assertion criteria provided. Collection method: clinical testing. Allele origin: germline.
Comment: This variant is classified as likely benign based on ACMG/AMP sequence variant interpretation guidelines (Richards et al. 2015 PMID: 25741868, with internal and published modifications).

NM_014861.4(ATP2C2):c.2333+148A>G

Genes: ATP2C2 (ATPase secretory pathway Ca2+ transporting 2; plus strand), ATP2C2-AS1 (ATP2C2 antisense RNA 1; minus strand). Cytogenetic location: 16q24.1.
Variant type: single nucleotide variant.
Coding change: c.2333+148A>G on transcript NM_014861.4 (MANE Select); 148 bases into the intron after coding-DNA position 2333, A replaced by G.
Molecular consequence: intron variant. On other transcripts: non-coding transcript variant (1), missense variant (1).
Genome position (GRCh38, 1-based): chr16:84,459,534, A>G. VCF-style: chr16-84459534-A-G. GRCh37 (hg19) VCF-style: chr16-84493140-A-G.
Other names: c.2362A>G, p.Thr788Ala (NM_001286527.3); c.1880+148A>G (NM_001291454.2); short protein forms T788A.
Identifiers: ClinVar variation 3045988 (VCV003045988.2), dbSNP rs148481265, ClinGen allele CA8208140.